The following is an entry in ClinVar:

NM_012123.4(MTO1):c.1260+309del

Gene: MTO1 (mitochondrial tRNA translation optimization 1; plus strand). Cytogenetic location: 6q13.
Variant type: Deletion.
Coding change: c.1260+309del on transcript NM_012123.4 (MANE Select); 309 bases into the intron after coding-DNA position 1260, one base deleted (C; older notation c.1260+309delC).
Molecular consequence: intron variant. On other transcripts: frameshift variant (1).
Genome position (GRCh38, 1-based): chr6:73,481,114, C deleted; the last of 3 consecutive C bases (chr6:73,481,112-73,481,114); deleting any one gives the same sequence. VCF-style (leftmost placement, unchanged base first): chr6-73481111-AC-A. GRCh37 (hg19) VCF-style: chr6-74190834-AC-A.
Other names: c.1378del, p.Gln460fs (NM_001123226.2); c.1335+309del (NM_133645.3); short protein forms Q460fs.
Identifiers: ClinVar variation 1683337 (VCV001683337.1), dbSNP rs988279203, ClinGen allele CA140962196.

ClinVar aggregate classification (germline): Uncertain significance (1 of 4 stars; one submission).

Submission:

Women's Health and Genetics/Laboratory Corporation of America, LabCorp
Classification: Uncertain significance. Last evaluated: 2022-04-21. Review status: criteria provided, single submitter. Criteria: LabCorp Variant Classification Summary - May 2015. Collection method: clinical testing. Allele origin: germline.
Comment: Variant summary: MTO1 c.1260+309delC is located at a position not widely known to affect splicing. In another transcript (NM_001123226.2) the variant is located to exon 9, which is a relatively small, symmetric exon, and it is expressed in most tissues in a very low amount, and in some tissues it has no expression (GTEx v7 dataset). The variant allele was found at a frequency of 0.00019 in 149012 control chromosomes, predominantly at a frequency of 0.00071 within the African or African-American subpopulation (i.e. 29 / 40832 alleles) in the gnomAD database (v3.1, genomes dataset). To our knowledge, no occurrence of c.1260+309delC in individuals affected with Combined Oxidative Phosphorylation Deficiency 10 and no experimental evidence demonstrating its impact on protein function have been reported. No clinical diagnostic laboratories have submitted clinical-significance assessments for this variant to ClinVar after 2014. Based on the evidence outlined above, the variant was classified as uncertain significance.